The following is an entry in ClinVar:

ClinVar aggregate classification (germline): Uncertain significance. Review status: criteria provided, multiple submitters, no conflicts (2 of 4 stars). 2 submissions from 2 submitters: Uncertain significance (2). Last evaluated 2023-11-05.

Conditions:
Hyperkalemic periodic paralysis. Also called: Familial hyperkalemic periodic paralysis; Gamstorp disease. Identifiers: Orphanet 682, MedGen C0238357, MONDO:0008224, OMIM 170500, HP:0007215.

Allele frequency attached by ClinVar (database versions not stated): TOPMed below 0.00001; gnomAD exomes 0.00001 and 0.00002; ExAC 0.00002.
gnomAD v4.1: 8 of 1,579,972 alleles (0.00051%); highest among the groups gnomAD compares: Admixed American, 0.01%; no homozygotes.

Submissions (2):

Labcorp Genetics (formerly Invitae), Labcorp
Classification: Uncertain significance for Hyperkalemic periodic paralysis. Last evaluated: 2023-11-05. Review status: criteria provided, single submitter. Criteria: Invitae Variant Classification Sherloc (09022015). Collection method: clinical testing. Allele origin: germline.
Comment: This sequence change replaces methionine, which is neutral and non-polar, with valine, which is neutral and non-polar, at codon 786 of the SCN4A protein (p.Met786Val). This variant is present in population databases (rs778729831, gnomAD 0.01%). This variant has not been reported in the literature in individuals affected with SCN4A-related conditions. ClinVar contains an entry for this variant (Variation ID: 1190261). Advanced modeling of protein sequence and biophysical properties (such as structural, functional, and spatial information, amino acid conservation, physicochemical variation, residue mobility, and thermodynamic stability) performed at Invitae indicates that this missense variant is not expected to disrupt SCN4A protein function with a negative predictive value of 80%. In summary, the available evidence is currently insufficient to determine the role of this variant in disease. Therefore, it has been classified as a Variant of Uncertain Significance.

GeneDx
Classification: Uncertain significance. Last evaluated: 2019-10-21. Review status: criteria provided, single submitter. Criteria: GeneDx Variant Classification Process June 2021. Collection method: clinical testing. Allele origin: germline. Affected: yes.
Comment: Not observed at a significant frequency in large population cohorts (Lek et al., 2016); In silico analysis, which includes protein predictors and evolutionary conservation, supports a deleterious effect; Has not been previously published as pathogenic or benign to our knowledge

NM_000334.4(SCN4A):c.2356A>G (p.Met786Val)

Genes: GH-LCR (growth hormone locus control region; plus strand), SCN4A (sodium voltage-gated channel alpha subunit 4; minus strand). Cytogenetic location: 17q23.3.
Variant type: single nucleotide variant.
Coding change: c.2356A>G on transcript NM_000334.4 (MANE Select); coding-DNA position 2356, A replaced by G.
Protein change: p.Met786Val; replaces methionine 786 with valine.
Molecular consequence: missense variant.
Genome position (GRCh38, 1-based): chr17:63,957,182, T>C on the plus strand (A>G on the coding strand, the complement: SCN4A is on the minus strand). VCF-style: chr17-63957182-T-C. GRCh37 (hg19) VCF-style: chr17-62034542-T-C.
Other names: short protein forms M786V.
Identifiers: ClinVar variation 1190261 (VCV001190261.7), dbSNP rs778729831, ClinGen allele CA8709607.